The following is an entry in ClinVar:

NM_020529.3(NFKBIA):c.3G>A (p.Met1Ile)

Genes: NFKBIA (NFKB inhibitor alpha; minus strand), LOC130055497 (ATAC-STARR-seq lymphoblastoid silent region 5676; plus strand). Cytogenetic location: 14q13.2.
Variant type: single nucleotide variant.
Coding change: c.3G>A on transcript NM_020529.3 (MANE Select); coding-DNA position 3, G replaced by A.
Protein change: p.Met1Ile; changes the start codon (methionine 1).
Molecular consequence: missense variant, initiator codon variant.
Genome position (GRCh38, 1-based): chr14:35,404,642, C>T on the plus strand (G>A on the coding strand, the complement: NFKBIA is on the minus strand). VCF-style: chr14-35404642-C-T. GRCh37 (hg19) VCF-style: chr14-35873848-C-T.
Other names: short protein forms M1I.
Identifiers: ClinVar variation 2635721 (VCV002635721.1), dbSNP rs2502189029, ClinGen allele CA389455530.

ClinVar aggregate classification (germline): Uncertain significance (1 of 4 stars; one submission).

Conditions:
NFKBIA-related disorder. Also called: NFKBIA-related condition.

Submission:

PreventionGenetics, part of Exact Sciences
Classification: Uncertain significance for NFKBIA-related condition. Last evaluated: 2023-01-17. Review status: criteria provided, single submitter. Criteria: ACMG Guidelines, 2015. Collection method: clinical testing. Allele origin: germline.
Comment: The NFKBIA c.3G>A variant is predicted to disrupt the translation initiation site (p.Met1?). To our knowledge, this variant has not been reported in the literature or in a large population database, indicating this variant is rare. At this time, the clinical significance of this variant is uncertain due to the absence of conclusive functional and genetic evidence.